The following is an entry in ClinVar:

NM_000191.3(HMGCL):c.228T>A (p.Phe76Leu)

Gene: HMGCL (3-hydroxy-3-methylglutaryl-CoA lyase; minus strand). Cytogenetic location: 1p36.11.
Variant type: single nucleotide variant.
Coding change: c.228T>A on transcript NM_000191.3 (MANE Select); coding-DNA position 228, T replaced by A.
Protein change: p.Phe76Leu; replaces phenylalanine 76 with leucine.
Molecular consequence: missense variant.
Genome position (GRCh38, 1-based): chr1:23,817,500, A>T on the plus strand (T>A on the coding strand, the complement: HMGCL is on the minus strand). VCF-style: chr1-23817500-A-T. GRCh37 (hg19) VCF-style: chr1-24143990-A-T.
Other names: c.228T>A, p.Phe76Leu (NM_001166059.2); short protein forms F76L.
Identifiers: ClinVar variation 4817879 (VCV004817879.1).

ClinVar aggregate classification (germline): Likely pathogenic (1 of 4 stars; one submission).

Conditions:
Long chain 3-hydroxyacyl-CoA dehydrogenase deficiency. Also called: Deficiency of long-chain 3-hydroxyacyl-coenzyme A dehydrogenase; LCHAD Deficiency. Identifiers: Orphanet 5, MedGen C3711645, MONDO:0012173, OMIM 609016.

Submission:

Natera, Inc.
Classification: Likely pathogenic for Deficiency of long-chain 3-hydroxyacyl-coenzyme A dehydrogenase. Last evaluated: 2025-08-01. Review status: criteria provided, single submitter. Criteria: Natera Variant Classification Schema (03/2026). Collection method: clinical testing. Allele origin: germline.
Comment: The c.228T>A variant in HMGCL is a missense variant predicted to cause substitution of phenylalanine to leucine at amino acid 76. This variant is rare in the general population with a frequency below the threshold expected for the associated phenotype(s). This variant has been observed in one or more individuals affected with the associated recessive disease, as either homozygous or compound heterozygous with a second variant (PMID: 35193149). This variant has been identified in one or more affected individual with a phenotype highly consistent with the associated gene (PMID: 35193149). Computational prediction algorithms indicate this variant is likely to affect gene or protein function. Given the available evidence, this variant is classified as Likely Pathogenic.

Literature cited by the submitters: PubMed 35193149.